The following is an entry in ClinVar:

ClinVar aggregate classification (germline): Uncertain significance (1 of 4 stars; one submission).

Allele frequency attached by ClinVar (database versions not stated): TOPMed 0.00002; gnomAD exomes 0.00005; ExAC 0.00006; gnomAD 0.00001.
gnomAD v4.1: 69 of 1,612,682 alleles (0.0043%); highest among the groups gnomAD compares: Non-Finnish European, 0.0058%; no homozygotes.

Submission:

Labcorp Genetics (formerly Invitae), Labcorp
Classification: Uncertain significance. Last evaluated: 2023-03-12. Review status: criteria provided, single submitter. Criteria: Invitae Variant Classification Sherloc (09022015). Collection method: clinical testing. Allele origin: germline.
Comment: This variant has not been reported in the literature in individuals affected with NIN-related conditions. This variant is present in population databases (rs752874486, gnomAD 0.01%). This sequence change falls in intron 29 of the NIN gene. It does not directly change the encoded amino acid sequence of the NIN protein. It affects a nucleotide within the consensus splice site. In summary, the available evidence is currently insufficient to determine the role of this variant in disease. Therefore, it has been classified as a Variant of Uncertain Significance. Variants that disrupt the consensus splice site are a relatively common cause of aberrant splicing (PMID: 17576681, 9536098). Algorithms developed to predict the effect of sequence changes on RNA splicing suggest that this variant is not likely to affect RNA splicing.

Literature cited by the submitters: PubMed 17576681; PubMed 9536098.

NM_020921.4(NIN):c.6078+3A>G

Gene: NIN (ninein; minus strand). Cytogenetic location: 14q22.1.
Variant type: single nucleotide variant.
Coding change: c.6078+3A>G on transcript NM_020921.4 (MANE Select); 3 bases into the intron after coding-DNA position 6078, A replaced by G.
Molecular consequence: intron variant.
Genome position (GRCh38, 1-based): chr14:50,729,520, T>C on the plus strand (A>G on the coding strand, the complement: NIN is on the minus strand). VCF-style: chr14-50729520-T-C. GRCh37 (hg19) VCF-style: chr14-51196238-T-C.
Other names: c.3939+3A>G (NM_016350.5); c.6078+3A>G (NM_182946.2, NM_182944.3).
Identifiers: ClinVar variation 3018447 (VCV003018447.3), dbSNP rs752874486, ClinGen allele CA7181049.